The following is an entry in ClinVar:

NM_004958.4(MTOR):c.4628G>A (p.Gly1543Glu)

Genes: MTOR (mechanistic target of rapamycin kinase; minus strand), MTOR-AS1 (MTOR antisense RNA 1; plus strand). Cytogenetic location: 1p36.22.
Variant type: single nucleotide variant.
Coding change: c.4628G>A on transcript NM_004958.4 (MANE Select); coding-DNA position 4628, G replaced by A.
Protein change: p.Gly1543Glu; replaces glycine 1543 with glutamic acid.
Molecular consequence: missense variant.
Genome position (GRCh38, 1-based): chr1:11,146,734, C>T on the plus strand (G>A on the coding strand, the complement: MTOR is on the minus strand). VCF-style: chr1-11146734-C-T. GRCh37 (hg19) VCF-style: chr1-11206791-C-T.
Other names: c.4628G>A, p.Gly1543Glu (NM_001386500.1); c.3380G>A, p.Gly1127Glu (NM_001386501.1); short protein forms G1127E, G1543E.
Identifiers: ClinVar variation 1310776 (VCV001310776.8), dbSNP rs2100519683, ClinGen allele CA338368491.
Genomic context (GRCh38, chr1:11,146,734, plus strand): 5'-ACCTGTTGTGCCAAGGAGAAGAGGTCCTGATGCAGTGCCAGCACAGCTCTATAAAATGCC[C>T]CATCATGGGTGTCCCGAGGGATCATACAGGTGTATTCTTCCATGCTGTCCCACTGACCTA-3'
Protein context (NP_004949.1, residues 1533-1553): TCMIPRDTHD[Gly1543Glu]AFYRAVLALH

ClinVar aggregate classification (germline): Conflicting classifications of pathogenicity. Review status: criteria provided, conflicting classifications (1 of 4 stars). 3 submissions from 3 submitters: Uncertain significance (2); Likely benign (1). Last evaluated 2026-09-01.

Conditions:
Inborn genetic diseases. Identifiers: MedGen C0950123, MeSH D030342.

Allele frequency attached by ClinVar (database versions not stated): gnomAD exomes below 0.00001.
gnomAD v4.1: 3 of 1,614,098 alleles (0.00019%); highest among the groups gnomAD compares: Non-Finnish European, 0.00025%; no homozygotes.

Submissions (3):

Ambry Genetics
Classification: Uncertain significance for Inborn genetic diseases. Last evaluated: 2026-09-01. Review status: criteria provided, single submitter. Criteria: Ambry Variant Classification Scheme 2023. Collection method: clinical testing. Allele origin: germline.

Labcorp Genetics (formerly Invitae), Labcorp
Classification: Likely benign. Last evaluated: 2024-06-26. Review status: criteria provided, single submitter. Criteria: Invitae Variant Classification Sherloc (09022015). Collection method: clinical testing. Allele origin: germline.

GeneDx
Classification: Uncertain significance. Last evaluated: 2022-09-20. Review status: criteria provided, single submitter. Criteria: GeneDx Variant Classification Process June 2021. Collection method: clinical testing. Allele origin: germline. Affected: yes.
Comment: Not observed at significant frequency in large population cohorts (gnomAD); In silico analysis supports that this missense variant has a deleterious effect on protein structure/function; Has not been previously published as pathogenic or benign to our knowledge